The following is an entry in ClinVar:

ClinVar aggregate classification (germline): Uncertain significance (1 of 4 stars; one submission).

Conditions:
Hereditary cancer-predisposing syndrome. Also called: Hereditary Cancer Syndrome; Hereditary neoplastic syndrome; Neoplastic Syndromes, Hereditary; Tumor predisposition. Identifiers: Orphanet 140162, MedGen C0027672, MeSH D009386, MONDO:0015356.

Submission:

Ambry Genetics
Classification: Uncertain significance for Hereditary cancer-predisposing syndrome. Last evaluated: 2025-05-21. Review status: criteria provided, single submitter. Criteria: Ambry Variant Classification Scheme 2023. Collection method: clinical testing. Allele origin: germline.
Comment: The p.I236S variant (also known as c.707T>G), located in coding exon 4 of the NTHL1 gene, results from a T to G substitution at nucleotide position 707. The isoleucine at codon 236 is replaced by serine, an amino acid with dissimilar properties. This amino acid position is conserved. In addition, this alteration is predicted to be deleterious by in silico analysis. Based on the available evidence, the clinical significance of this variant remains unclear.

NM_002528.7(NTHL1):c.683T>G (p.Ile228Ser)

Gene: NTHL1 (nth like DNA glycosylase 1; minus strand). Cytogenetic location: 16p13.3.
Variant type: single nucleotide variant.
Coding change: c.683T>G on transcript NM_002528.7 (MANE Select); coding-DNA position 683, T replaced by G.
Protein change: p.Ile228Ser; replaces isoleucine 228 with serine.
Molecular consequence: missense variant.
Genome position (GRCh38, 1-based): chr16:2,043,569, A>C on the plus strand (T>G on the coding strand, the complement: NTHL1 is on the minus strand). VCF-style: chr16-2043569-A-C. GRCh37 (hg19) VCF-style: chr16-2093570-A-C.
Other names: c.512T>G, p.Ile171Ser (NM_001318193.2); c.353T>G, p.Ile118Ser (NM_001318194.2); short protein forms I228S, I171S, I118S.
Identifiers: ClinVar variation 3922258 (VCV003922258.1).
Genomic context (GRCh38, chr16:2,043,569, plus strand): 5'-GTGGGGAATCCCAAGAGCAGCCAGTGGGCTGGAGCCAGCCCCGCCCTCCTCTACTCACCA[A>C]TGCCTGACACAGTGCCCCAGGCCACAGCCATAGCCAGGTGTGCCATCTTGGGCCCAACAC-3'
Protein context (NP_002519.2, residues 218-238): MAVAWGTVSG[Ile228Ser]AVDTHVHRIA